The following is an entry in ClinVar:

ClinVar aggregate classification (germline): Likely benign. Review status: criteria provided, multiple submitters, no conflicts (2 of 4 stars). 5 submissions from 5 submitters: Likely benign (5). Last evaluated 2025-12-01.

Conditions:
Inborn genetic diseases. Identifiers: MedGen C0950123, MeSH D030342.

Allele frequency attached by ClinVar (database versions not stated): gnomAD 0.00007 and 0.00008; gnomAD exomes 0.00008; TOPMed 0.00008; ExAC 0.00009.
gnomAD v4.1: 83 of 1,613,940 alleles (0.0051%); highest among the groups gnomAD compares: Middle Eastern, 0.066%; no homozygotes.

Submissions (5):

Labcorp Genetics (formerly Invitae), Labcorp
Classification: Likely benign. Last evaluated: 2025-12-01. Review status: criteria provided, single submitter. Criteria: Invitae Variant Classification Sherloc (09022015). Collection method: clinical testing. Allele origin: germline.

Blueprint Genetics
Classification: Likely benign. Last evaluated: 2024-11-20. Review status: criteria provided, single submitter. Criteria: ACMG Guidelines, 2015. Collection method: clinical testing. Allele origin: germline.

CeGaT Center for Human Genetics Tuebingen
Classification: Likely benign. Last evaluated: 2022-10-01. Review status: criteria provided, single submitter. Criteria: CeGaT Center For Human Genetics Tuebingen Variant Classification Criteria Version 2. Collection method: clinical testing. Allele origin: germline. Affected: yes. Observed: 2 variant alleles.
Comment: ADNP: BP4, BP7

GeneDx
Classification: Likely benign. Last evaluated: 2020-11-03. Review status: criteria provided, single submitter. Criteria: GeneDx Variant Classification Process June 2021. Collection method: clinical testing. Allele origin: germline. Affected: yes.

Ambry Genetics
Classification: Likely benign for Inborn genetic diseases. Last evaluated: 2017-04-21. Review status: criteria provided, single submitter. Criteria: Ambry Variant Classification Scheme 2023. Collection method: clinical testing. Allele origin: germline.

NM_001282531.3(ADNP):c.2463C>T (p.Gly821=)

Gene: ADNP (activity dependent neuroprotector homeobox; minus strand). Cytogenetic location: 20q13.13.
Variant type: single nucleotide variant.
Coding change: c.2463C>T on transcript NM_001282531.3 (MANE Select); coding-DNA position 2463, C replaced by T.
Protein change: p.Gly821=; no amino-acid change (glycine 821 retained).
Molecular consequence: synonymous variant.
Genome position (GRCh38, 1-based): chr20:50,892,251, G>A on the plus strand (C>T on the coding strand, the complement: ADNP is on the minus strand). VCF-style: chr20-50892251-G-A. GRCh37 (hg19) VCF-style: chr20-49508788-G-A.
Other names: c.2463C>T, p.Gly821= (NM_001282532.2, NM_001347511.2, NM_015339.5 and 1 more transcripts).
Identifiers: ClinVar variation 589626 (VCV000589626.49), dbSNP rs753658750, ClinGen allele CA9908587.
Genomic context (GRCh38, chr20:50,892,251, plus strand): 5'-ATCAAAATCCATCTCATGCTTGACTTTATTTAATTCTTTCATGTTAAACCCCAGCAACAC[G>A]CCAGGCTTGTACTTTTCACAATCACGGACACACTTCTTCCTTTTGTTACTAAAATGGGAA-3'
Protein context (NP_001269460.1, residues 811-831): CVRDCEKYKP[Gly821=]VLLGFNMKEL